The following is an entry in ClinVar:

ClinVar aggregate classification (germline): Conflicting classifications of pathogenicity. Review status: criteria provided, conflicting classifications (1 of 4 stars). 4 submissions from 4 submitters: Uncertain significance (3); Likely benign (1). Last evaluated 2024-06-14.

Allele frequency attached by ClinVar (database versions not stated): gnomAD exomes 0.00002 and 0.00005; ExAC 0.00008; gnomAD 0.00019 and 0.00023; 1000 Genomes Project 0.00020; TOPMed 0.00020; ESP Exome Variant Server 0.00025; 1000 Genomes Project 30x 0.00031.
gnomAD v4.1: 62 of 1,607,882 alleles (0.0039%); highest among the groups gnomAD compares: African/African-American, 0.055%; no homozygotes.

Submissions (4):

ARUP Laboratories, Molecular Genetics and Genomics, ARUP Laboratories
Classification: Uncertain significance. Last evaluated: 2024-06-14. Review status: criteria provided, single submitter. Criteria: ARUP Molecular Germline Variant Investigation Process 2024. Collection method: clinical testing. Allele origin: germline.
Comment: The TTN c.23387G>A; p.Arg7796Gln variant (rs267599059 ; ClinVar Variation ID: 74282) is rare in the general population (<0.2% allele frequency in the Genome Aggregation Database) and has not been reported in the medical literature in association with dilated cardiomyopathy (DCM) or other TTN-related disease. The clinical relevance of rare missense variants in this gene, which are identified on average once per individual sequenced in affected populations (Herman 2012), is not well understood. Yet, evidence suggests that the vast majority of such missense variants do not contribute to the clinical outcome of DCM (Begay 2015). Thus, the clinical significance of the p.Arg7796Gln variant cannot be determined with certainty. References: Begay RL et al. Role of Titin Missense Variants in Dilated Cardiomyopathy. J Am Heart Assoc. 2015 Nov 13;4(11). PMID: 26567375. Herman DS et al. Truncations of titin causing dilated cardiomyopathy. N Engl J Med. 2012 Feb 16;366(7):619-28. PMID: 22335739. Linke WA and Hamdani N. Gigantic business: titin properties and function through thick and thin. Circ Res 2014; 114(6): 1052-1068. PMID: 24625729.

GeneDx
Classification: Likely benign. Last evaluated: 2020-12-15. Review status: criteria provided, single submitter. Criteria: GeneDx Variant Classification Process June 2021. Collection method: clinical testing. Allele origin: germline. Affected: yes.

Revvity Omics, Revvity
Classification: Uncertain significance. Last evaluated: 2020-04-03. Review status: criteria provided, single submitter. Criteria: ACMG Guidelines, 2015. Collection method: clinical testing. Allele origin: germline.

Eurofins Ntd Llc (ga)
Classification: Uncertain significance. Last evaluated: 2017-05-05. Review status: criteria provided, single submitter. Criteria: EGL Classification Definitions 2015. Collection method: clinical testing. Allele origin: germline. Observed: 2 variant alleles, 2 heterozygotes.

NM_001267550.2(TTN):c.23387G>A (p.Arg7796Gln)

Gene: TTN (titin; minus strand). Cytogenetic location: 2q31.2.
Variant type: single nucleotide variant.
Coding change: c.23387G>A on transcript NM_001267550.2 (MANE Select); coding-DNA position 23387, G replaced by A.
Protein change: p.Arg7796Gln; replaces arginine 7796 with glutamine.
Molecular consequence: missense variant. On other transcripts: intron variant (3).
Genome position (GRCh38, 1-based): chr2:178,720,255, C>T on the plus strand (G>A on the coding strand, the complement: TTN is on the minus strand). VCF-style: chr2-178720255-C-T. GRCh37 (hg19) VCF-style: chr2-179584982-C-T.
Other names: c.22436G>A, p.Arg7479Gln (NM_001256850.1); c.19655G>A, p.Arg6552Gln (NM_133378.4); c.13282+17827G>A (NM_003319.4); c.13858+17827G>A (NM_133437.4); c.13657+17827G>A (NM_133432.3); short protein forms R7796Q, R6552Q, R7479Q.
Identifiers: ClinVar variation 74282 (VCV000074282.19), dbSNP rs267599059, ClinGen allele CA2000637.
Genomic context (GRCh38, chr2:178,720,255, plus strand): 5'-GCCCGTAACTCAACAGCATCCCCAATAAGGGTTGAGGTGTCACTTAGCTTTTTCACGAAT[C>T]GTGGAGGTTCTGATGAAAGAAATTTGTGGTTAGAGGAAAAAATGTGAGAATCATGGCCAC-3'
Protein context (NP_001254479.2, residues 7786-7806): SCSVKFKEPP[Arg7796Gln]FVKKLSDTST